The following is an entry in ClinVar:

ClinVar aggregate classification (germline): Uncertain significance. Review status: criteria provided, multiple submitters, no conflicts (2 of 4 stars). 2 submissions from 2 submitters: Uncertain significance (2). Last evaluated 2024-01-24.

Conditions:
Hereditary cancer-predisposing syndrome. Also called: Tumor predisposition; Hereditary neoplastic syndrome; Neoplastic Syndromes, Hereditary; Hereditary Cancer Syndrome. Identifiers: Orphanet 140162, MedGen C0027672, MeSH D009386, MONDO:0015356.
Familial cancer of breast. Also called: BREAST CANCER, FAMILIAL; hereditary breast carcinoma; Hereditary breast cancer. Identifiers: Orphanet 227535, MedGen C0346153, MONDO:0016419, OMIM 114480. Disease mechanism: loss of function.

Submissions (2):

Labcorp Genetics (formerly Invitae), Labcorp
Classification: Uncertain significance for Familial cancer of breast. Last evaluated: 2024-01-24. Review status: criteria provided, single submitter. Criteria: Invitae Variant Classification Sherloc (09022015). Collection method: clinical testing. Allele origin: germline.
Comment: This sequence change replaces glycine, which is neutral and non-polar, with cysteine, which is neutral and slightly polar, at codon 269 of the PALB2 protein (p.Gly269Cys). This variant is not present in population databases (gnomAD no frequency). This variant has not been reported in the literature in individuals affected with PALB2-related conditions. ClinVar contains an entry for this variant (Variation ID: 665845). An algorithm developed to predict the effect of missense changes on protein structure and function (PolyPhen-2) suggests that this variant is likely to be disruptive. In summary, the available evidence is currently insufficient to determine the role of this variant in disease. Therefore, it has been classified as a Variant of Uncertain Significance.

Color Diagnostics, LLC DBA Color Health
Classification: Uncertain significance for Hereditary cancer-predisposing syndrome. Last evaluated: 2020-08-03. Review status: criteria provided, single submitter. Criteria: ACMG Guidelines, 2015. Collection method: clinical testing. Allele origin: germline.
Comment: This missense variant replaces glycine with cysteine at codon 269 of the PALB2 protein. Computational prediction suggests that this variant may not impact protein structure and function (internally defined REVEL score threshold <= 0.5, PMID: 27666373). To our knowledge, functional studies have not been reported for this variant. This variant has not been reported in individuals affected with hereditary cancer in the literature. This variant has not been identified in the general population by the Genome Aggregation Database (gnomAD). The available evidence is insufficient to determine the role of this variant in disease conclusively. Therefore, this variant is classified as a Variant of Uncertain Significance.

NM_024675.4(PALB2):c.805G>T (p.Gly269Cys)

Gene: PALB2 (partner and localizer of BRCA2; minus strand). Cytogenetic location: 16p12.2.
Variant type: single nucleotide variant.
Coding change: c.805G>T on transcript NM_024675.4 (MANE Select); coding-DNA position 805, G replaced by T.
Protein change: p.Gly269Cys; replaces glycine 269 with cysteine.
Molecular consequence: missense variant.
Genome position (GRCh38, 1-based): chr16:23,635,741, C>A on the plus strand (G>T on the coding strand, the complement: PALB2 is on the minus strand). VCF-style: chr16-23635741-C-A. GRCh37 (hg19) VCF-style: chr16-23647062-C-A.
Other names: short protein forms G269C.
Identifiers: ClinVar variation 665845 (VCV000665845.14), dbSNP rs1597098242, ClinGen allele CA395136005.
Genomic context (GRCh38, chr16:23,635,741, plus strand): 5'-AACTTACAGGTGAAGTAAATCTAATGTTTTTTAGGTCGTGAGTAGTAAGTTCACTGCTAC[C>A]TTTAGGAGGAATGTGTTCAAGGTGCTGACTACTACCGCTATCTGATAGAGTCTGTAAAGG-3'
Protein context (NP_078951.2, residues 259-279): SQHLEHIPPK[Gly269Cys]SSELTTHDLK